The following is an entry in ClinVar:

NM_182760.4(SUMF1):c.763C>T (p.Gln255Ter)

Gene: SUMF1 (sulfatase modifying factor 1; minus strand). Cytogenetic location: 3p26.1.
Variant type: single nucleotide variant.
Coding change: c.763C>T on transcript NM_182760.4 (MANE Select); coding-DNA position 763, C replaced by T.
Protein change: p.Gln255Ter; replaces glutamine 255 with a stop codon.
Molecular consequence: nonsense.
Genome position (GRCh38, 1-based): chr3:4,417,205, G>A on the plus strand (C>T on the coding strand, the complement: SUMF1 is on the minus strand). VCF-style: chr3-4417205-G-A. GRCh37 (hg19) VCF-style: chr3-4458889-G-A.
Other names: c.688C>T, p.Gln230Ter (NM_001164674.2); c.763C>T, p.Gln255Ter (NM_001164675.2); short protein forms Q230*, Q255*.
Identifiers: ClinVar variation 5013630 (VCV005013630.1).

ClinVar aggregate classification (germline): Pathogenic (1 of 4 stars; one submission).

Conditions:
Multiple sulfatase deficiency (MSD). Also called: Mucosulfatidosis; Multiple Sulfatase Deficiency Disease; Sulfatidosis, Juvenile, Austin Type. Identifiers: Orphanet 585, MedGen C0268263, MONDO:0010088, OMIM 272200.

Submission:

Myriad Genetics, Inc.
Classification: Pathogenic for Multiple sulfatase deficiency. Last evaluated: 2024-10-09. Review status: criteria provided, single submitter. Criteria: Myriad Autosomal Dominant, Autosomal Recessive and X-Linked Classification Criteria (2023). Collection method: clinical testing. Allele origin: unknown.
Comment: NM_182760.3(SUMF1):c.763C>T(Q255*) is expected to be pathogenic in the context of multiple sulfatase deficiency. This variant is predicted to lead to an abnormal or absent protein product due to the creation of a premature termination codon in SUMF1, a gene where loss-of-function variants are known to be pathogenic. Please note: this variant was assessed in the context of healthy population screening.